The following is an entry in ClinVar:

NM_015335.5(MED13L):c.681_682delinsTG (p.Met227_Ser228delinsIleAla)

Gene: MED13L (mediator complex subunit 13L; minus strand). Cytogenetic location: 12q24.21.
Variant type: Indel.
Coding change: c.681_682delinsTG on transcript NM_015335.5 (MANE Select); coding-DNA positions 681 to 682, GT replaced by TG.
Protein change: p.Met227_Ser228delinsIleAla.
Molecular consequence: missense variant.
Genome position (GRCh38, 1-based): chr12:116,019,916-116,019,917, AC replaced by CA on the plus strand (GT replaced by TG on the coding strand, the reverse complement: MED13L is on the minus strand). VCF-style: chr12-116019916-AC-CA. GRCh37 (hg19) VCF-style: chr12-116457721-AC-CA.
Identifiers: ClinVar variation 2726623 (VCV002726623.3), dbSNP rs2499946063, ClinGen allele CA2697551533.

ClinVar aggregate classification (germline): Uncertain significance (1 of 4 stars; one submission).

Conditions:
Dextro-looped transposition of the great arteries. Also called: Dextrotransposition of the great arteries. Identifiers: Orphanet 860, MedGen C3531771, MONDO:0019443, OMIM 608808, HP:0031348.

Submission:

Labcorp Genetics (formerly Invitae), Labcorp
Classification: Uncertain significance for Dextro-looped transposition of the great arteries. Last evaluated: 2023-04-12. Review status: criteria provided, single submitter. Criteria: Invitae Variant Classification Sherloc (09022015). Collection method: clinical testing. Allele origin: germline.
Comment: This variant, c.681_682delinsTG, is a complex sequence change that results in the deletion of 2 and insertion of 2 amino acid(s) in the MED13L protein (p.Met227_Ser228delinsIleAla). Information on the frequency of this variant in the gnomAD database is not available, as this variant may be reported differently in the database. This variant has not been reported in the literature in individuals affected with MED13L-related conditions. Experimental studies and prediction algorithms are not available or were not evaluated, and the functional significance of this variant is currently unknown. In summary, the available evidence is currently insufficient to determine the role of this variant in disease. Therefore, it has been classified as a Variant of Uncertain Significance.